The following is an entry in ClinVar:

ClinVar aggregate classification (germline): Uncertain significance. Review status: criteria provided, multiple submitters, no conflicts (2 of 4 stars). 3 submissions from 3 submitters: Uncertain significance (3). Last evaluated 2025-10-27.

Conditions:
Inborn genetic diseases. Identifiers: MedGen C0950123, MeSH D030342.
Autosomal recessive osteopetrosis 1. Also called: TCIRG1-Related Autosomal Recessive Osteopetrosis; ALBERS-SCHONBERG DISEASE, AUTOSOMAL RECESSIVE; TCIRG1-Related Osteopetrosis. Identifiers: Orphanet 667, MedGen C1850127, MONDO:0009815, OMIM 259700.

Allele frequency attached by ClinVar (database versions not stated): gnomAD 0.00005 and 0.00006; TOPMed 0.00007; gnomAD exomes 0.00010; ExAC 0.00016.
gnomAD v4.1: 142 of 1,576,748 alleles (0.009%); highest among the groups gnomAD compares: Admixed American, 0.029%; no homozygotes.

Submissions (3):

Labcorp Genetics (formerly Invitae), Labcorp
Classification: Uncertain significance. Last evaluated: 2025-10-27. Review status: criteria provided, single submitter. Criteria: Invitae Variant Classification Sherloc (09022015). Collection method: clinical testing. Allele origin: germline.
Comment: This sequence change replaces arginine, which is basic and polar, with cysteine, which is neutral and slightly polar, at codon 661 of the TCIRG1 protein (p.Arg661Cys). This variant is present in population databases (rs770889100, gnomAD 0.05%). This variant has not been reported in the literature in individuals affected with TCIRG1-related conditions. ClinVar contains an entry for this variant (Variation ID: 1488201). An algorithm developed to predict the effect of missense changes on protein structure and function outputs the following: PolyPhen-2: "Possibly Damaging". The cysteine amino acid residue is found in multiple mammalian species, which suggests that this missense change does not adversely affect protein function. In summary, the available evidence is currently insufficient to determine the role of this variant in disease. Therefore, it has been classified as a Variant of Uncertain Significance.

Ambry Genetics
Classification: Uncertain significance for Inborn genetic diseases. Last evaluated: 2023-09-14. Review status: criteria provided, single submitter. Criteria: Ambry Variant Classification Scheme 2023. Collection method: clinical testing. Allele origin: germline.

Fulgent Genetics
Classification: Uncertain significance for Autosomal recessive osteopetrosis 1. Last evaluated: 2021-07-02. Review status: criteria provided, single submitter. Criteria: ACMG Guidelines, 2015. Collection method: clinical testing. Allele origin: unknown.

NM_006019.4(TCIRG1):c.1981C>T (p.Arg661Cys)

Gene: TCIRG1 (T cell immune regulator 1, ATPase H+ transporting V0 subunit a3; plus strand). Cytogenetic location: 11q13.2.
Variant type: single nucleotide variant.
Coding change: c.1981C>T on transcript NM_006019.4 (MANE Select); coding-DNA position 1981, C replaced by T.
Protein change: p.Arg661Cys; replaces arginine 661 with cysteine.
Molecular consequence: missense variant.
Genome position (GRCh38, 1-based): chr11:68,049,756, C>T. VCF-style: chr11-68049756-C-T. GRCh37 (hg19) VCF-style: chr11-67817223-C-T.
Other names: c.1087C>T, p.Arg363Cys (NM_001351059.2); c.1333C>T, p.Arg445Cys (NM_006053.4); c.1981C>T (NM_006019.3); short protein forms R363C, R445C, R661C.
Identifiers: ClinVar variation 1488201 (VCV001488201.10), dbSNP rs770889100, ClinGen allele CA6147337.